The following is an entry in ClinVar:

ClinVar aggregate classification (germline): Benign. Review status: criteria provided, multiple submitters, no conflicts (2 of 4 stars). 2 submissions from 2 submitters: Benign (2). Last evaluated 2018-01-13.

Conditions:
Peters plus syndrome. Also called: KRAUSE-KIVLIN SYNDROME. Identifiers: Orphanet 709, MedGen C0796012, MONDO:0009856, OMIM 261540.

Allele frequency attached by ClinVar (database versions not stated): 1000 Genomes Project 30x 0.48641; 1000 Genomes Project 0.48722; TOPMed 0.57343; gnomAD 0.58503 and 0.58519.

Submissions (2):

Illumina Laboratory Services, Illumina
Classification: Benign for Peters plus syndrome. Last evaluated: 2018-01-13. Review status: criteria provided, single submitter. Criteria: ICSL Variant Classification Criteria 13 December 2019. Collection method: clinical testing. Allele origin: germline.
Comment: This variant was observed in the ICSL laboratory as part of a predisposition screen in an ostensibly healthy population. It had not been previously curated by ICSL or reported in the Human Gene Mutation Database (HGMD: prior to June 1st, 2018), and was therefore a candidate for classification through an automated scoring system. Utilizing variant allele frequency, disease prevalence and penetrance estimates, and inheritance mode, an automated score was calculated to assess if this variant is too frequent to cause the disease. Based on the score and internal cut-off values, a variant classified as benign is not then subjected to further curation. The score for this variant resulted in a classification of benign for this disease.

Breakthrough Genomics
Classification: Benign. Review status: criteria provided, single submitter. Criteria: ACMG Guidelines, 2015. Collection method: not provided. Allele origin: germline. Inheritance: Autosomal recessive inheritance. Affected: yes.

NM_194318.4(B3GLCT):c.*2082G>T

Gene: B3GLCT (beta 3-glucosyltransferase; plus strand). Cytogenetic location: 13q12.3.
Variant type: single nucleotide variant.
Coding change: c.*2082G>T on transcript NM_194318.4 (MANE Select); 2082 bases downstream of the stop codon, G replaced by T.
Molecular consequence: 3 prime UTR variant.
Genome position (GRCh38, 1-based): chr13:31,331,750, G>T. VCF-style: chr13-31331750-G-T. GRCh37 (hg19) VCF-style: chr13-31905887-G-T.
Identifiers: ClinVar variation 883947 (VCV000883947.5), dbSNP rs2056444, ClinGen allele CA13856860.